The following is an entry in ClinVar:

ClinVar aggregate classification (germline): Likely pathogenic (1 of 4 stars; one submission).

Conditions:
Branchiootorenal syndrome 1. Also called: Branchio-Oto-Renal Syndrome 1. Identifiers: Orphanet 107, MedGen C4551702, MONDO:0007236, OMIM 113650.

Submission:

Institute of Rare Diseases, West China Hospital, Sichuan University
Classification: Likely pathogenic for Branchiootorenal syndrome 1. Last evaluated: 2025-01-09. Review status: criteria provided, single submitter. Criteria: ClinGen HL ACMG Specifications v1. Collection method: research. Allele origin: germline. Affected: yes.
Comment: PVS1;PM2_Supporting

NM_000503.6(EYA1):c.1678G>T (p.Glu560Ter)

Gene: EYA1 (EYA transcriptional coactivator and phosphatase 1; minus strand). Cytogenetic location: 8q13.3.
Variant type: single nucleotide variant.
Coding change: c.1678G>T on transcript NM_000503.6 (MANE Select); coding-DNA position 1678, G replaced by T.
Protein change: p.Glu560Ter; replaces glutamic acid 560 with a stop codon.
Molecular consequence: nonsense.
Genome position (GRCh38, 1-based): chr8:71,211,176, C>A on the plus strand (G>T on the coding strand, the complement: EYA1 is on the minus strand). VCF-style: chr8-71211176-C-A. GRCh37 (hg19) VCF-style: chr8-72123411-C-A.
Other names: c.1660G>T, p.Glu554Ter (NM_001288574.2, NM_172059.5); c.1312G>T, p.Glu438Ter (NM_001288575.2); c.1765G>T, p.Glu589Ter (NM_001370333.1); c.1678G>T, p.Glu560Ter (NM_001370334.1, NM_001370335.1, NM_172058.4); c.1657G>T, p.Glu553Ter (NM_001370336.1); c.1579G>T, p.Glu527Ter (NM_001411797.1, NM_172060.4); short protein forms E438*, E527*, E553*, E554*, E560*, E589*.
Identifiers: ClinVar variation 3601104 (VCV003601104.1).